The following is an entry in ClinVar:

NM_001378157.1(XRRA1):c.2274A>G (p.Thr758=)

Gene: XRRA1 (X-ray radiation resistance associated 1; minus strand). Cytogenetic location: 11q13.4.
Variant type: single nucleotide variant.
Coding change: c.2274A>G on transcript NM_001378157.1 (MANE Select); coding-DNA position 2274, A replaced by G.
Protein change: p.Thr758=; no amino-acid change (threonine 758 retained).
Molecular consequence: synonymous variant. On other transcripts: 3 prime UTR variant (10), non-coding transcript variant (6).
Genome position (GRCh38, 1-based): chr11:74,843,329, T>C on the plus strand (A>G on the coding strand, the complement: XRRA1 is on the minus strand). VCF-style: chr11-74843329-T-C. GRCh37 (hg19) VCF-style: chr11-74554374-T-C.
Other names: c.*86A>G (NM_001270380.3, NM_001378160.1, NM_001378168.1 and 7 more transcripts); c.1425A>G, p.Thr475= (NM_001270381.3); c.2229A>G, p.Thr743= (NM_001378158.1); c.1938A>G, p.Thr646= (NM_001378159.1); c.1380A>G, p.Thr460= (NM_001378161.1); c.1290A>G, p.Thr430= (NM_001378162.1); c.1215A>G, p.Thr405= (NM_001378163.1, NM_001378164.1); c.1119A>G, p.Thr373= (NM_001378165.1, NM_001378166.1, NM_001378167.1); and 2 more.
Identifiers: ClinVar variation 2642152 (VCV002642152.24), dbSNP rs372121351, ClinGen allele CA6186468.
Genomic context (GRCh38, chr11:74,843,329, plus strand): 5'-CTTGGGCTGGCTCTCACTCAGCGCTGGGCAGGCCATGGGGAGCGGGGTAGTCCCGAACAC[T>C]GTGCGCAGAGAGCCACTCACCAGCTGCCGGTAACGTGCCTGGAACTCCTTCAACAGCCTC-3'
Protein context (NP_001365086.1, residues 748-768): YRQLVSGSLR[Thr758=]VFGTTPLPMA

ClinVar aggregate classification (germline): Likely benign (1 of 4 stars; one submission).

Allele frequency attached by ClinVar (database versions not stated): ESP Exome Variant Server 0.00008; gnomAD 0.00023; TOPMed 0.00023; gnomAD exomes 0.00036; 1000 Genomes Project 30x 0.00078; 1000 Genomes Project 0.00080; ExAC 0.00088.
gnomAD v4.1: 557 of 1,608,678 alleles (0.035%); highest among the groups gnomAD compares: South Asian, 0.21%; 6 homozygotes.

Submission:

CeGaT Center for Human Genetics Tuebingen
Classification: Likely benign. Last evaluated: 2022-12-01. Review status: criteria provided, single submitter. Criteria: CeGaT Center For Human Genetics Tuebingen Variant Classification Criteria Version 2. Collection method: clinical testing. Allele origin: germline. Affected: yes. Observed: 1 variant allele.
Comment: XRRA1: BP4, BP7